The following is an entry in ClinVar:

NM_001709.5(BDNF):c.610T>C (p.Trp204Arg)

Genes: BDNF-AS (BDNF antisense RNA; plus strand), BDNF (brain derived neurotrophic factor; minus strand). Cytogenetic location: 11p14.1.
Variant type: single nucleotide variant.
Coding change: c.610T>C on transcript NM_001709.5 (MANE Select); coding-DNA position 610, T replaced by C.
Protein change: p.Trp204Arg; replaces tryptophan 204 with arginine.
Molecular consequence: missense variant.
Genome position (GRCh38, 1-based): chr11:27,657,955, A>G on the plus strand (T>C on the coding strand, the complement: BDNF is on the minus strand). VCF-style: chr11-27657955-A-G. GRCh37 (hg19) VCF-style: chr11-27679502-A-G.
Other names: c.610T>C, p.Trp204Arg (NM_001143805.1, NM_001143806.1, NM_001143807.2 and 9 more transcripts); c.697T>C, p.Trp233Arg (NM_001143809.2); c.856T>C, p.Trp286Arg (NM_001143810.2); c.634T>C, p.Trp212Arg (NM_170731.5); c.655T>C, p.Trp219Arg (NM_170734.4); short protein forms W219R, W286R, W204R, W212R, W233R.
Identifiers: ClinVar variation 4982988 (VCV004982988.1).

ClinVar aggregate classification (germline): Uncertain significance (1 of 4 stars; one submission).

Conditions:
BDNF-related disorder. Also called: BDNF-related condition.

Submission:

PreventionGenetics, part of Exact Sciences
Classification: Uncertain significance for BDNF-related condition. Last evaluated: 2025-03-06. Review status: criteria provided, single submitter. Criteria: ACMG Guidelines, 2015. Collection method: clinical testing. Allele origin: germline.
Comment: The BDNF c.856T>C variant is predicted to result in the amino acid substitution p.Trp286Arg. To our knowledge, this variant has not been reported in the literature or in a large population database (gnomAD), indicating this variant is rare. At this time, the clinical significance of this variant is uncertain due to the absence of conclusive functional and genetic evidence.